The following is an entry in ClinVar:

NC_000002.11:g.(?_218999525)_(220435954_?)dup

Genes: SLC11A1 (solute carrier family 11 member 1; plus strand), SLC23A3 (solute carrier family 23 member 3; minus strand), SPEG (striated muscle enriched protein kinase; plus strand), STK16 (serine/threonine kinase 16; plus strand), STK36 (serine/threonine kinase 36; plus strand) and 47 more. Cytogenetic location: 2q35.
Variant type: Duplication.
Identifiers: ClinVar variation 1434778 (VCV001434778.38).

ClinVar aggregate classification (germline): Uncertain significance. Review status: criteria provided, single submitter (1 of 4 stars). 2 submissions from 1 submitter: Uncertain significance (2). Last evaluated 2022-09-19.

Conditions:
Alacrima, achalasia, and impaired intellectual development syndrome. Also called: Alacrima, achalasia, and intellectual disability syndrome; Alacrima, achalasia, and mental retardation syndrome. Identifiers: Orphanet 869, MedGen C4706563, MONDO:0014219, OMIM 615510.
Paroxysmal nonkinesigenic dyskinesia. Also called: Paroxysmal non-kinesigenic dyskinesia. Identifiers: Orphanet 98810, MedGen C1869117, MONDO:0700088.

Submissions (2):

Labcorp Genetics (formerly Invitae), Labcorp
Classification: Uncertain significance for Alacrima, achalasia, and impaired intellectual development syndrome. Last evaluated: 2022-09-19. Review status: criteria provided, single submitter. Criteria: Invitae Variant Classification Sherloc (09022015). Collection method: clinical testing. Allele origin: germline.
Comment: In summary, the available evidence is currently insufficient to determine the role of this variant in disease. Therefore, it has been classified as a Variant of Uncertain Significance. This variant has not been reported in the literature in individuals affected with GMPPA-related conditions. A copy number gain of the genomic region encompassing the full coding sequence of the GMPPA gene has been identified. The boundaries of this event are unknown as they extend beyond the assayed region for this gene and therefore may encompass additional genes. As the precise location of this event is unknown, it may be in tandem or it may be located elsewhere in the genome.

Labcorp Genetics (formerly Invitae), Labcorp
Classification: Uncertain significance for Paroxysmal nonkinesigenic dyskinesia. Last evaluated: 2021-10-08. Review status: criteria provided, single submitter. Criteria: Invitae Variant Classification Sherloc (09022015). Collection method: clinical testing. Allele origin: germline.
Comment: A copy number gain of the genomic region encompassing the full coding sequence of the PNKD gene has been identified. The boundaries of this event are unknown as they extend beyond the assayed region for this gene and therefore may encompass additional genes. As the precise location of this event is unknown, it may be in tandem or it may be located elsewhere in the genome. This variant has not been reported in the literature in individuals affected with PNKD-related conditions. In summary, the available evidence is currently insufficient to determine the role of this variant in disease. Therefore, it has been classified as a Variant of Uncertain Significance.